The following is an entry in ClinVar:

NM_001384140.1(PCDH15):c.3981_3982insTTTTTTTTTTTTTTTTTTTTNNNNNNNNNNAGGTATATCTCCCAATGCTATCCCTCCCCCCTCCCCCGACCCCACCACAGTCCCCAGAAATGAGCTTTTT (p.Lys1328delinsPhePhePhePhePhePheXaaXaaXaaXaaArgTyrIleSerGlnCysTyrProSerProLeuProArgProHisHisSerProGlnLysTer)

Gene: PCDH15 (protocadherin related 15; minus strand). Cytogenetic location: 10q21.1.
Variant type: Microsatellite.
Coding change: c.3981_3982insTTTTTTTTTTTTTTTTTTTTNNNNNNNNNNAGGTATATCTCCCAATGCTATCCCTCCCCCCTCCCCCGACCCCACCACAGTCCCCAGAAATGAGCTTTTT on transcript NM_001384140.1 (MANE Select); coding-DNA positions 3981 to 3982, TTTTTTTTTTTTTTTTTTTTNNNNNNNNNNAGGTATATCTCCCAATGCTATCCCTCCCCCCTCCCCCGACCCCACCACAGTCCCCAGAAATGAGCTTTTT inserted.
Protein change: p.Lys1328delinsPhePhePhePhePhePheXaaXaaXaaXaaArgTyrIleSerGlnCysTyrProSerProLeuProArgProHisHisSerProGlnLysTer.
Molecular consequence: nonsense. On other transcripts: frameshift variant (1).
Genome position: GRCh38: chr10:53,840,322-53,840,336. GRCh37 (hg19): chr10:55,600,082-55,600,096.
Other names: c.3996_3997insTTTTTTTTTTTTTTTTTTTTNNNNNNNNNNAGGTATATCTCCCAATGCTATCCCTCCCCCCTCCCCCGACCCCACCACAGTCCCCAGAAATGAGCTTTTT, p.Lys1333delinsPhePhePhePhePhePheXaaXaaXaaXaaArgTyrIleSerGlnCysTyrProSerProLeuProArgProHisHisSerProGlnLysTer (NM_001142763.2, NM_001142771.2); c.3981_3982insTTTTTTTTTTTTTTTTTTTTNNNNNNNNNNAGGTATATCTCCCAATGCTATCCCTCCCCCCTCCCCCGACCCCACCACAGTCCCCAGAAATGAGCTTTTT, p.Lys1328delinsPhePhePhePhePhePheXaaXaaXaaXaaArgTyrIleSerGlnCysTyrProSerProLeuProArgProHisHisSerProGlnLysTer (NM_001142764.2, NM_001142766.2, NM_001142770.3 and 4 more transcripts); c.3768_3769insTTTTTTTTTTTTTTTTTTTTNNNNNNNNNNAGGTATATCTCCCAATGCTATCCCTCCCCCCTCCCCCGACCCCACCACAGTCCCCAGAAATGAGCTTTTT, p.Lys1257delinsPhePhePhePhePhePheXaaXaaXaaXaaArgTyrIleSerGlnCysTyrProSerProLeuProArgProHisHisSerProGlnLysTer (NM_001142765.2); c.3870_3871insTTTTTTTTTTTTTTTTTTTTNNNNNNNNNNAGGTATATCTCCCAATGCTATCCCTCCCCCCTCCCCCGACCCCACCACAGTCCCCAGAAATGAGCTTTTT, p.Lys1291delinsPhePhePhePhePhePheXaaXaaXaaXaaArgTyrIleSerGlnCysTyrProSerProLeuProArgProHisHisSerProGlnLysTer (NM_001142767.2); c.3915_3916insTTTTTTTTTTTTTTTTTTTTNNNNNNNNNNAGGTATATCTCCCAATGCTATCCCTCCCCCCTCCCCCGACCCCACCACAGTCCCCAGAAATGAGCTTTTT, p.Lys1306delinsPhePhePhePhePhePheXaaXaaXaaXaaArgTyrIleSerGlnCysTyrProSerProLeuProArgProHisHisSerProGlnLysTer (NM_001142768.2, NM_001142773.2, NM_001354404.2); c.4003_4017T[5][1], p.Arg1335Phefs (NM_001142769.4); c.4002_4003insTTTTTTTTTTTTTTTTTTTTNNNNNNNNNNAGGTATATCTCCCAATGCTATCCCTCCCCCCTCCCCCGACCCCACCACAGTCCCCAGAAATGAGCTTTTT, p.Lys1335delinsPhePhePhePhePhePheXaaXaaXaaXaaArgTyrIleSerGlnCysTyrProSerProLeuProArgProHisHisSerProGlnLysTer (NM_001354411.2).
Identifiers: ClinVar variation 1422787 (VCV001422787.6).

ClinVar aggregate classification (germline): Pathogenic (1 of 4 stars; one submission).

Submission:

Labcorp Genetics (formerly Invitae), Labcorp
Classification: Pathogenic. Last evaluated: 2021-10-11. Review status: criteria provided, single submitter. Criteria: Invitae Variant Classification Sherloc (09022015). Collection method: clinical testing. Allele origin: germline.
Comment: This sequence change inserts a large fragment of DNA, likely a transposable element, in exon 29 of the PCDH15 gene (c.3981_3982ins?), causing a frameshift at codon 1328 (p.Lys1328fs). The exact size and sequence of the insertion cannot be determined by the current assay. However, the insertion is expected to result in an absent or disrupted protein product. This variant is not present in population databases (ExAC no frequency). For these reasons, this variant has been classified as Pathogenic. Retrotransposon insertions including LINE1 (L1), Alu, and SVA (SINE-VNTR-Alu) have been reported to be disease-causing through disruption of either a coding region or splice site (PMID: 19763152, 20307669, 22406018) and loss-of-function variants in PCDH15 are known to be pathogenic (PMID: 11398101, 11487575, 14570705). This variant has not been reported in the literature in individuals affected with PCDH15-related conditions.

Literature cited by the submitters: PubMed 19763152; PubMed 20307669; PubMed 22406018; PubMed 11398101; PubMed 11487575; PubMed 14570705.